The following is an entry in ClinVar:

NM_014915.3(ANKRD26):c.172A>G (p.Asn58Asp)

Gene: ANKRD26 (ankyrin repeat domain 26; minus strand). Cytogenetic location: 10p12.1.
Variant type: single nucleotide variant.
Coding change: c.172A>G on transcript NM_014915.3 (MANE Select); coding-DNA position 172, A replaced by G.
Protein change: p.Asn58Asp; replaces asparagine 58 with aspartic acid.
Molecular consequence: missense variant.
Genome position (GRCh38, 1-based): chr10:27,100,155, T>C on the plus strand (A>G on the coding strand, the complement: ANKRD26 is on the minus strand). VCF-style: chr10-27100155-T-C. GRCh37 (hg19) VCF-style: chr10-27389084-T-C.
Other names: c.172A>G, p.Asn58Asp (NM_001256053.2); short protein forms N58D.
Identifiers: ClinVar variation 3713092 (VCV003713092.3).

ClinVar aggregate classification (germline): Conflicting classifications of pathogenicity. Review status: criteria provided, conflicting classifications (1 of 4 stars). 2 submissions from 2 submitters: Uncertain significance (1); Likely benign (1). Last evaluated 2025-11-03.

Conditions:
Inborn genetic diseases. Identifiers: MedGen C0950123, MeSH D030342.

gnomAD v4.1: 3 of 1,614,022 alleles (0.00019%); highest among the groups gnomAD compares: African/African-American, 0.004%; no homozygotes.

Submissions (2):

Labcorp Genetics (formerly Invitae), Labcorp
Classification: Uncertain significance. Last evaluated: 2025-11-03. Review status: criteria provided, single submitter. Criteria: Invitae Variant Classification Sherloc (09022015). Collection method: clinical testing. Allele origin: germline.
Comment: This sequence change replaces asparagine, which is neutral and polar, with aspartic acid, which is acidic and polar, at codon 58 of the ANKRD26 protein (p.Asn58Asp). This variant is present in population databases (rs776428573, gnomAD 0.007%). This variant has not been reported in the literature in individuals affected with ANKRD26-related conditions. ClinVar contains an entry for this variant (Variation ID: 3713092). An algorithm developed to predict the effect of missense changes on protein structure and function outputs the following: PolyPhen-2: "Benign". The aspartic acid amino acid residue is found in multiple mammalian species, which suggests that this missense change does not adversely affect protein function. In summary, the available evidence is currently insufficient to determine the role of this variant in disease. Therefore, it has been classified as a Variant of Uncertain Significance.

Ambry Genetics
Classification: Likely benign for Inborn genetic diseases. Last evaluated: 2025-07-25. Review status: criteria provided, single submitter. Criteria: Ambry Variant Classification Scheme 2023. Collection method: clinical testing. Allele origin: germline.